The following is an entry in ClinVar:

ClinVar aggregate classification (germline): Uncertain significance (1 of 4 stars; one submission).

Conditions:
Episodic kinesigenic dyskinesia (EKD). Also called: Paroxysmal kinesigenic dyskinesia. Identifiers: Orphanet 98809, MedGen C1868682, MONDO:0044202.

Submission:

Labcorp Genetics (formerly Invitae), Labcorp
Classification: Uncertain significance for Episodic kinesigenic dyskinesia. Last evaluated: 2019-12-13. Review status: criteria provided, single submitter. Criteria: Invitae Variant Classification Sherloc (09022015). Collection method: clinical testing. Allele origin: germline.
Comment: This variant has not been reported in the literature in individuals with PRRT2-related conditions. In summary, the available evidence is currently insufficient to determine the role of this variant in disease. Therefore, it has been classified as a Variant of Uncertain Significance. Algorithms developed to predict the effect of missense changes on protein structure and function output the following: SIFT: "Deleterious"; PolyPhen-2: "Benign"; Align-GVGD: "Class C0". The proline amino acid residue is found in multiple mammalian species, suggesting that this missense change does not adversely affect protein function. These predictions have not been confirmed by published functional studies and their clinical significance is uncertain. This variant is not present in population databases (ExAC no frequency). This sequence change replaces serine with proline at codon 28 of the PRRT2 protein (p.Ser28Pro). The serine residue is highly conserved and there is a moderate physicochemical difference between serine and proline.

NM_145239.3(PRRT2):c.82T>C (p.Ser28Pro)

Genes: MVP-DT (MVP divergent transcript; minus strand), PRRT2 (proline rich transmembrane protein 2; plus strand). Cytogenetic location: 16p11.2.
Variant type: single nucleotide variant.
Coding change: c.82T>C on transcript NM_145239.3 (MANE Select); coding-DNA position 82, T replaced by C.
Protein change: p.Ser28Pro; replaces serine 28 with proline.
Molecular consequence: missense variant.
Genome position (GRCh38, 1-based): chr16:29,813,136, T>C. VCF-style: chr16-29813136-T-C. GRCh37 (hg19) VCF-style: chr16-29824457-T-C.
Other names: c.82T>C, p.Ser28Pro (NM_001256442.2, NM_001256443.2); short protein forms S28P.
Identifiers: ClinVar variation 841514 (VCV000841514.10), dbSNP rs1900060891, ClinGen allele CA395477201.
Genomic context (GRCh38, chr16:29,813,136, plus strand): 5'-ATCTCTGAGATGAAGGGGGTTGAGGAGAGTCCCAAGGTTCCAGGCGAAGGGCCTGGCCAT[T>C]CTGAAGCTGAAACTGGCCCTCCCCAGGTCCTAGCAGGGGTACCAGACCAGCCAGAGGCCC-3'
Protein context (NP_660282.2, residues 18-38): PKVPGEGPGH[Ser28Pro]EAETGPPQVL